The following is an entry in ClinVar:

ClinVar aggregate classification (germline): Likely pathogenic (1 of 4 stars; one submission).

Conditions:
Metaphyseal chondrodysplasia-retinitis pigmentosa syndrome. Also called: Retinitis pigmentosa with or without skeletal anomalies. Identifiers: Orphanet 166035, MedGen C1855188, MONDO:0009598, OMIM 250410.

Submission:

Juno Genomics, Hangzhou Juno Genomics, Inc
Classification: Likely pathogenic for Metaphyseal chondrodysplasia-retinitis pigmentosa syndrome. Review status: criteria provided, single submitter. Criteria: ACMG Guidelines, 2015. Collection method: clinical testing. Allele origin: germline. Affected: yes.
Comment: Absent from controls (or at extremely low frequency if recessive) in Genome Aggregation Database, Exome Sequencing Project, 1000 Genomes Project, or Exome Aggregation Consortium.;Null variant in a gene where loss of function (LOF) is a known mechanism of disease.

NM_005869.4(CWC27):c.364del (p.Glu122fs)

Gene: CWC27 (CWC27 spliceosome associated cyclophilin; plus strand). Cytogenetic location: 5q12.3.
Variant type: Deletion.
Coding change: c.364del on transcript NM_005869.4 (MANE Select); coding-DNA position 364, one base deleted (G; older notation c.364delG).
Protein change: p.Glu122fs; shifts the reading frame from glutamic acid 122.
Molecular consequence: frameshift variant.
Genome position (GRCh38, 1-based): chr5:64,783,947, G deleted. VCF-style (leftmost placement, unchanged base first): chr5-64783946-TG-T. GRCh37 (hg19) VCF-style: chr5-64079773-TG-T.
Other names: c.364del, p.Glu122fs (NM_001297644.1, NM_001297645.2, NM_001318000.2 and 1 more transcripts); short protein forms E122fs.
Identifiers: ClinVar variation 4531202 (VCV004531202.1).